The following is an entry in ClinVar:

NM_002529.4(NTRK1):c.1435A>C (p.Thr479Pro)

Gene: NTRK1 (neurotrophic receptor tyrosine kinase 1; plus strand). Cytogenetic location: 1q23.1.
Variant type: single nucleotide variant.
Coding change: c.1435A>C on transcript NM_002529.4 (MANE Select); coding-DNA position 1435, A replaced by C.
Protein change: p.Thr479Pro; replaces threonine 479 with proline.
Molecular consequence: missense variant.
Genome position (GRCh38, 1-based): chr1:156,875,600, A>C. VCF-style: chr1-156875600-A-C. GRCh37 (hg19) VCF-style: chr1-156845392-A-C.
Other names: c.1327A>C, p.Thr443Pro (NM_001007792.1); c.1417A>C, p.Thr473Pro (NM_001012331.2); short protein forms T479P, T473P, T443P.
Identifiers: ClinVar variation 1387225 (VCV001387225.5), dbSNP rs2102915581, ClinGen allele CA342937452.
Genomic context (GRCh38, chr1:156,875,600, plus strand): 5'-GAGGATGGGCTGGCCATGTCCCTGCATTTCATGACATTGGGTGGCAGCTCCCTGTCCCCC[A>C]CCGAGGGCAAAGGCTCTGGGCTCCAAGGCCACATCATCGAGAACCCACAATACTTCAGTG-3'
Protein context (NP_002520.2, residues 469-489): MTLGGSSLSP[Thr479Pro]EGKGSGLQGH

ClinVar aggregate classification (germline): Uncertain significance (1 of 4 stars; one submission).

Conditions:
Hereditary insensitivity to pain with anhidrosis (CIPA). Also called: INSENSITIVITY TO PAIN, CONGENITAL, WITH ANHIDROSIS; hereditary sensory and autonomic neuropathy type 4; HSAN Type IV; NEUROPATHY, CONGENITAL SENSORY, WITH ANHIDROSIS; NTRK1 Congenital Insensitivity to Pain with Anhidrosis; FAMILIAL DYSAUTONOMIA, TYPE II. Identifiers: Orphanet 642, MedGen C0020074, MONDO:0009746, OMIM 256800.

Allele frequency attached by ClinVar (database versions not stated): gnomAD exomes below 0.00001.
gnomAD v4.1: 1 of 1,613,844 alleles (0.000062%); highest among the groups gnomAD compares: Non-Finnish European, 0.000085%; no homozygotes.

Submission:

Labcorp Genetics (formerly Invitae), Labcorp
Classification: Uncertain significance for Hereditary insensitivity to pain with anhidrosis. Last evaluated: 2021-08-31. Review status: criteria provided, single submitter. Criteria: Invitae Variant Classification Sherloc (09022015). Collection method: clinical testing. Allele origin: germline.
Comment: This sequence change replaces threonine with proline at codon 473 of the NTRK1 protein (p.Thr473Pro). The threonine residue is moderately conserved and there is a small physicochemical difference between threonine and proline. This variant is not present in population databases (ExAC no frequency). This variant has not been reported in the literature in individuals affected with NTRK1-related conditions. Algorithms developed to predict the effect of missense changes on protein structure and function (SIFT, PolyPhen-2, Align-GVGD) all suggest that this variant is likely to be tolerated. In summary, the available evidence is currently insufficient to determine the role of this variant in disease. Therefore, it has been classified as a Variant of Uncertain Significance.